The following is an entry in ClinVar:

ClinVar aggregate classification (germline): Conflicting classifications of pathogenicity. Review status: criteria provided, conflicting classifications (1 of 4 stars). 3 submissions from 3 submitters: Uncertain significance (2); Likely benign (1). Last evaluated 2025-11-27.

Conditions:
Hypertrophic cardiomyopathy 26. Also called: Cardiomyopathy, familial hypertrophic, 26. Identifiers: Orphanet 75249, MedGen C4310749, MONDO:0014883, OMIM 617047.
Distal myopathy with posterior leg and anterior hand involvement. Also called: WILLIAMS DISTAL MYOPATHY. Identifiers: Orphanet 63273, MedGen C3279722, MONDO:0013550, OMIM 614065.
Myofibrillar myopathy 5. Also called: Filaminopathy (type); FILAMINOPATHY, AUTOSOMAL DOMINANT. Identifiers: Orphanet 171445, MedGen C1836050, MONDO:0012289, OMIM 609524.
Cardiovascular phenotype. Identifiers: MedGen CN230736.

Allele frequency attached by ClinVar (database versions not stated): gnomAD 0.00002; TOPMed 0.00002.
gnomAD v4.1: 3 of 1,613,956 alleles (0.00019%); highest among the groups gnomAD compares: African/African-American, 0.004%; no homozygotes.

Submissions (3):

Labcorp Genetics (formerly Invitae), Labcorp
Classification: Likely benign for Distal myopathy with posterior leg and anterior hand involvement; Myofibrillar myopathy 5; Hypertrophic cardiomyopathy 26. Last evaluated: 2025-11-27. Review status: criteria provided, single submitter. Criteria: Invitae Variant Classification Sherloc (09022015). Collection method: clinical testing. Allele origin: germline.

Ambry Genetics
Classification: Uncertain significance for Cardiovascular phenotype. Last evaluated: 2025-10-01. Review status: criteria provided, single submitter. Criteria: Ambry Variant Classification Scheme 2023. Collection method: clinical testing. Allele origin: germline.
Comment: The p.G1284D variant (also known as c.3851G>A), located in coding exon 22 of the FLNC gene, results from a G to A substitution at nucleotide position 3851. The glycine at codon 1284 is replaced by aspartic acid, an amino acid with similar properties. This amino acid position is conserved. In addition, this alteration is predicted to be deleterious by in silico analysis. Since supporting evidence is limited at this time, the clinical significance of this alteration remains unclear.

GeneDx
Classification: Uncertain significance. Last evaluated: 2025-08-05. Review status: criteria provided, single submitter. Criteria: GeneDx Variant Classification Process June 2021. Collection method: clinical testing. Allele origin: germline. Affected: yes.
Comment: Not observed at significant frequency in large population cohorts (gnomAD); In silico analysis supports that this missense variant has a deleterious effect on protein structure/function; Has not been previously published as pathogenic or benign to our knowledge

NM_001458.5(FLNC):c.3851G>A (p.Gly1284Asp)

Gene: FLNC (filamin C; plus strand). Cytogenetic location: 7q32.1.
Variant type: single nucleotide variant.
Coding change: c.3851G>A on transcript NM_001458.5 (MANE Select); coding-DNA position 3851, G replaced by A.
Protein change: p.Gly1284Asp; replaces glycine 1284 with aspartic acid.
Molecular consequence: missense variant.
Genome position (GRCh38, 1-based): chr7:128,846,050, G>A. VCF-style: chr7-128846050-G-A. GRCh37 (hg19) VCF-style: chr7-128486104-G-A.
Other names: c.3851G>A, p.Gly1284Asp (NM_001127487.2); short protein forms G1284D.
Identifiers: ClinVar variation 1053725 (VCV001053725.13), dbSNP rs1041643602, ClinGen allele CA166179894.
Genomic context (GRCh38, chr7:128,846,050, plus strand): 5'-GTGTCCTGCGGGAGGTGACCACTGAGTTCACTGTGGATGCAAGATCCCTAACAGCCACAG[G>A]CGGCAACCACGTGACGGCTCGTGTGCTCAACCCCTCGGGGGCCAAGACAGACACCTATGT-3'
Protein context (NP_001449.3, residues 1274-1294): TVDARSLTAT[Gly1284Asp]GNHVTARVLN